The following is an entry in ClinVar:

ClinVar aggregate classification (germline): Conflicting classifications of pathogenicity. Review status: criteria provided, conflicting classifications (1 of 4 stars). 4 submissions from 4 submitters: Pathogenic (2); Likely pathogenic (1); Uncertain significance (1). Last evaluated 2024-12-06.

Conditions:
Inborn genetic diseases. Identifiers: MedGen C0950123, MeSH D030342.
Kleefstra syndrome 1 (KLEFS1). Identifiers: Orphanet 261494, MedGen C0795833, MONDO:0027407, OMIM 610253.

Submissions (4):

GeneDx
Classification: Pathogenic. Last evaluated: 2024-12-06. Review status: criteria provided, single submitter. Criteria: GeneDx Variant Classification Process June 2021. Collection method: clinical testing. Allele origin: germline. Affected: yes.
Comment: In silico analysis supports that this missense variant has a deleterious effect on protein structure/function; In silico analysis suggests this variant may impact gene splicing. In the absence of RNA/functional studies, the actual effect of this sequence change is unknown.; Not observed at significant frequency in large population cohorts (gnomAD); This variant is associated with the following publications: (PMID: 39013458)

Ambry Genetics
Classification: Uncertain significance for Inborn genetic diseases. Last evaluated: 2018-07-10. Review status: criteria provided, single submitter. Criteria: Ambry exome assertion method (8-5-2015). Collection method: clinical testing. Allele origin: germline. Affected: yes. Observed: 1 variant allele.

Henan Neurodevelopment Engineering Research Center for Children, Children's Hospital Affiliated to Zhengzhou University
Classification: Likely pathogenic for Kleefstra syndrome 1. Review status: criteria provided, single submitter. Criteria: ACMG Guidelines, 2015. Collection method: clinical testing. Allele origin: de novo. Affected: yes.
Comment: The pathogenesis of Kleefstra syndrome is primarily associated with a 9q34.3 microdeletion or pathogenic variants in the EHMT1 gene, leading to loss of function of this gene and, consequently, neurodevelopmental abnormalities (Kleefstra 2006, Kleefstra 2009). c.3577G>A is a new de novo variant. Protein modeling predicted this substitution would disrupt the protein’s spatial conformation and compromise its structural stability. This phenotype is fully consistent with Kleefstra syndrome and meets our criteria for a likely pathogenic variant.

Laboratory of Genetics, Children's Clinical University Hospital Latvia
Classification: Pathogenic for Kleefstra syndrome 1. Review status: criteria provided, single submitter. Criteria: ACMG Guidelines, 2015. Collection method: curation. Allele origin: de novo. Affected: yes.
Comment: de novo

Literature cited by the submitters: DOI 10.1136/jmg.2008.062950 (cited by Henan Neurodevelopment Engineering Research Center for Children, Children's Hospital Affiliated to Zhengzhou University); PubMed 39013458 (cited by Laboratory of Genetics, Children's Clinical University Hospital Latvia).

NM_024757.5(EHMT1):c.3577G>A (p.Gly1193Arg)

Gene: EHMT1 (euchromatic histone lysine methyltransferase 1; plus strand). Cytogenetic location: 9q34.3.
Variant type: single nucleotide variant.
Coding change: c.3577G>A on transcript NM_024757.5 (MANE Select); coding-DNA position 3577, G replaced by A.
Protein change: p.Gly1193Arg; replaces glycine 1193 with arginine.
Molecular consequence: missense variant.
Genome position (GRCh38, 1-based): chr9:137,834,385, G>A. VCF-style: chr9-137834385-G-A. GRCh37 (hg19) VCF-style: chr9-140728837-G-A.
Other names: c.3556G>A, p.Gly1186Arg (NM_001354263.2); short protein forms G1186R, G1193R.
Identifiers: ClinVar variation 985831 (VCV000985831.6), dbSNP rs1956451687, ClinGen allele CA375781341.
Genomic context (GRCh38, chr9:137,834,385, plus strand): 5'-CCGTGCCGGCTTCTCGCCCTGCAGGACGGGGAGGTTTACTGCATCGACGCGCGGTTCTAC[G>A]GGAACGTCAGCCGGTTCATCAACCACCACTGCGAGCCCAACCTGGTGCCCGTGCGCGTGT-3'
Protein context (NP_079033.4, residues 1183-1203): EVYCIDARFY[Gly1193Arg]NVSRFINHHC